The following is an entry in ClinVar:

ClinVar aggregate classification (germline): Uncertain significance. Review status: criteria provided, multiple submitters, no conflicts (2 of 4 stars). 2 submissions from 2 submitters: Uncertain significance (2). Last evaluated 2025-05-13.

Conditions:
Cardiovascular phenotype. Identifiers: MedGen CN230736.

Allele frequency attached by ClinVar (database versions not stated): gnomAD 0.00001; gnomAD exomes 0.00001; TOPMed below 0.00001; ExAC 0.00001.
gnomAD v4.1: 16 of 1,609,006 alleles (0.00099%); highest among the groups gnomAD compares: East Asian, 0.022%; no homozygotes.

Submissions (2):

Ambry Genetics
Classification: Uncertain significance for Cardiovascular phenotype. Last evaluated: 2025-05-13. Review status: criteria provided, single submitter. Criteria: Ambry Variant Classification Scheme 2023. Collection method: clinical testing. Allele origin: germline.

GeneDx
Classification: Uncertain significance. Last evaluated: 2024-06-22. Review status: criteria provided, single submitter. Criteria: GeneDx Variant Classification Process June 2021. Collection method: clinical testing. Allele origin: germline. Affected: yes.
Comment: Not observed at significant frequency in large population cohorts (gnomAD); In silico analysis supports that this missense variant has a deleterious effect on protein structure/function; Has not been previously published as pathogenic or benign to our knowledge

NM_001365276.2(TNXB):c.3341C>T (p.Ser1114Leu)

Gene: TNXB (tenascin XB; minus strand). Cytogenetic location: 6p21.33.
Variant type: single nucleotide variant.
Coding change: c.3341C>T on transcript NM_001365276.2 (MANE Select); coding-DNA position 3341, C replaced by T.
Protein change: p.Ser1114Leu; replaces serine 1114 with leucine.
Molecular consequence: missense variant.
Genome position (GRCh38, 1-based): chr6:32,084,517, G>A on the plus strand (C>T on the coding strand, the complement: TNXB is on the minus strand). VCF-style: chr6-32084517-G-A. GRCh37 (hg19) VCF-style: chr6-32052294-G-A.
Other names: c.3341C>T, p.Ser1114Leu (NM_019105.8); short protein forms S1114L.
Identifiers: ClinVar variation 2446955 (VCV002446955.5), dbSNP rs758509219, ClinGen allele CA3735200.